The following is an entry in ClinVar:

ClinVar aggregate classification (germline): Uncertain significance (1 of 4 stars; one submission).

gnomAD v4.1: 3 of 1,607,054 alleles (0.00019%); highest among the groups gnomAD compares: South Asian, 0.0022%; no homozygotes.

Submission:

GeneDx
Classification: Uncertain significance. Last evaluated: 2022-06-29. Review status: criteria provided, single submitter. Criteria: GeneDx Variant Classification Process June 2021. Collection method: clinical testing. Allele origin: germline. Affected: yes.
Comment: Not observed at significant frequency in large population cohorts (gnomAD); In silico analysis supports that this missense variant does not alter protein structure/function; Has not been previously published as pathogenic or benign to our knowledge

NM_145068.4(TRPV3):c.259C>A (p.Gln87Lys)

Gene: TRPV3 (transient receptor potential cation channel subfamily V member 3; minus strand). Cytogenetic location: 17p13.2.
Variant type: single nucleotide variant.
Coding change: c.259C>A on transcript NM_145068.4 (MANE Select); coding-DNA position 259, C replaced by A.
Protein change: p.Gln87Lys; replaces glutamine 87 with lysine.
Molecular consequence: missense variant.
Genome position (GRCh38, 1-based): chr17:3,544,631, G>T on the plus strand (C>A on the coding strand, the complement: TRPV3 is on the minus strand). VCF-style: chr17-3544631-G-T. GRCh37 (hg19) VCF-style: chr17-3447925-G-T.
Other names: c.259C>A, p.Gln87Lys (NM_001258205.2); short protein forms Q87K.
Identifiers: ClinVar variation 1810115 (VCV001810115.1), dbSNP rs145467220, ClinGen allele CA397689644.